The following is an entry in ClinVar:

NM_000836.4(GRIN2D):c.3459G>A (p.Trp1153Ter)

Gene: GRIN2D (glutamate ionotropic receptor NMDA type subunit 2D; plus strand). Cytogenetic location: 19q13.33.
Variant type: single nucleotide variant.
Coding change: c.3459G>A on transcript NM_000836.4 (MANE Select); coding-DNA position 3459, G replaced by A.
Protein change: p.Trp1153Ter; replaces tryptophan 1153 with a stop codon.
Molecular consequence: nonsense.
Genome position (GRCh38, 1-based): chr19:48,443,385, G>A. VCF-style: chr19-48443385-G-A. GRCh37 (hg19) VCF-style: chr19-48946642-G-A.
Other names: short protein forms W1153*.
Identifiers: ClinVar variation 1707186 (VCV001707186.2), dbSNP rs1386820670, ClinGen allele CA406676331.

ClinVar aggregate classification (germline): Uncertain significance (1 of 4 stars; one submission).

Submission:

GeneDx
Classification: Uncertain significance. Last evaluated: 2022-03-23. Review status: criteria provided, single submitter. Criteria: GeneDx Variant Classification Process June 2021. Collection method: clinical testing. Allele origin: germline. Affected: yes.
Comment: Not observed at significant frequency in large population cohorts (gnomAD); Nonsense variant predicted to result in protein truncation as the last 184 amino acids are lost; Has not been previously published as pathogenic or benign to our knowledge